The following is an entry in ClinVar:

NM_015221.4(DNMBP):c.1155G>A (p.Pro385=)

Genes: DNMBP (dynamin binding protein; minus strand), DNMBP-AS1 (DNMBP antisense RNA 1; plus strand). Cytogenetic location: 10q24.2.
Variant type: single nucleotide variant.
Coding change: c.1155G>A on transcript NM_015221.4 (MANE Select); coding-DNA position 1155, G replaced by A.
Protein change: p.Pro385=; no amino-acid change (proline 385 retained).
Molecular consequence: synonymous variant.
Genome position (GRCh38, 1-based): chr10:99,956,319, C>T on the plus strand (G>A on the coding strand, the complement: DNMBP is on the minus strand). VCF-style: chr10-99956319-C-T. GRCh37 (hg19) VCF-style: chr10-101716076-C-T.
Identifiers: ClinVar variation 3050521 (VCV003050521.2), dbSNP rs61751505, ClinGen allele CA5645255.

ClinVar aggregate classification (germline): Likely benign (0 of 4 stars; one submission).

Conditions:
DNMBP-related disorder. Also called: DNMBP-related condition.

Allele frequency attached by ClinVar (database versions not stated): gnomAD 0.00059; ExAC 0.00064; TOPMed 0.00074; ESP Exome Variant Server 0.00108; gnomAD exomes 0.00118.
gnomAD v4.1: 1,782 of 1,613,872 alleles (0.11%); highest among the groups gnomAD compares: Middle Eastern, 0.25%; 4 homozygotes.

Submission:

PreventionGenetics, part of Exact Sciences
Classification: Likely benign for DNMBP-related condition. Last evaluated: 2019-11-13. Review status: no assertion criteria provided. Collection method: clinical testing. Allele origin: germline.
Comment: This variant is classified as likely benign based on ACMG/AMP sequence variant interpretation guidelines (Richards et al. 2015 PMID: 25741868, with internal and published modifications).